The following is an entry in ClinVar:

NM_005546.4(ITK):c.526G>A (p.Val176Ile)

Gene: ITK (IL2 inducible T cell kinase; plus strand). Cytogenetic location: 5q33.3.
Variant type: single nucleotide variant.
Coding change: c.526G>A on transcript NM_005546.4 (MANE Select); coding-DNA position 526, G replaced by A.
Protein change: p.Val176Ile; replaces valine 176 with isoleucine.
Molecular consequence: missense variant.
Genome position (GRCh38, 1-based): chr5:157,222,893, G>A. VCF-style: chr5-157222893-G-A. GRCh37 (hg19) VCF-style: chr5-156649903-G-A.
Other names: short protein forms V176I.
Identifiers: ClinVar variation 665307 (VCV000665307.4), dbSNP rs1452423111, ClinGen allele CA361952935.
Genomic context (GRCh38, chr5:157,222,893, plus strand): 5'-TTGCTTGGTTTTGTTGTCTCTCTTCCCCAGCGACCACTTTGGGAACCTGAAGAAACTGTG[G>A]TCATTGCCTTATATGACTACCAAACCAATGATCCTCAGGAACTCGCACTGCGGCGCAACG-3'
Protein context (NP_005537.3, residues 166-186): RPLWEPEETV[Val176Ile]IALYDYQTND

ClinVar aggregate classification (germline): Uncertain significance (1 of 4 stars; one submission).

Conditions:
Lymphoproliferative syndrome 1 (LPFS1). Identifiers: Orphanet 238505, Orphanet 538963, MedGen C3552634, MONDO:0013081, OMIM 613011.

Allele frequency attached by ClinVar (database versions not stated): gnomAD exomes below 0.00001; TOPMed below 0.00001.

Submission:

Labcorp Genetics (formerly Invitae), Labcorp
Classification: Uncertain significance for Lymphoproliferative syndrome 1. Last evaluated: 2022-08-23. Review status: criteria provided, single submitter. Criteria: Invitae Variant Classification Sherloc (09022015). Collection method: clinical testing. Allele origin: germline.
Comment: This sequence change replaces valine, which is neutral and non-polar, with isoleucine, which is neutral and non-polar, at codon 176 of the ITK protein (p.Val176Ile). This variant is present in population databases (no rsID available, gnomAD 0.0009%). This variant has not been reported in the literature in individuals affected with ITK-related conditions. ClinVar contains an entry for this variant (Variation ID: 665307). Advanced modeling of protein sequence and biophysical properties (such as structural, functional, and spatial information, amino acid conservation, physicochemical variation, residue mobility, and thermodynamic stability) performed at Invitae indicates that this missense variant is not expected to disrupt ITK protein function. In summary, the available evidence is currently insufficient to determine the role of this variant in disease. Therefore, it has been classified as a Variant of Uncertain Significance.